The following is an entry in ClinVar:

ClinVar aggregate classification (germline): Uncertain significance. Review status: criteria provided, multiple submitters, no conflicts (2 of 4 stars). 2 submissions from 2 submitters: Uncertain significance (2). Last evaluated 2022-08-13.

Allele frequency attached by ClinVar (database versions not stated): gnomAD exomes 0.00001.
gnomAD v4.1: 8 of 1,585,030 alleles (0.0005%); highest among the groups gnomAD compares: Admixed American, 0.0018%; no homozygotes.

Submissions (2):

Labcorp Genetics (formerly Invitae), Labcorp
Classification: Uncertain significance. Last evaluated: 2022-08-13. Review status: criteria provided, single submitter. Criteria: Invitae Variant Classification Sherloc (09022015). Collection method: clinical testing. Allele origin: germline.
Comment: In summary, the available evidence is currently insufficient to determine the role of this variant in disease. Therefore, it has been classified as a Variant of Uncertain Significance. Advanced modeling of protein sequence and biophysical properties (such as structural, functional, and spatial information, amino acid conservation, physicochemical variation, residue mobility, and thermodynamic stability) performed at Invitae indicates that this missense variant is expected to disrupt CYP4V2 protein function. ClinVar contains an entry for this variant (Variation ID: 1508200). This variant has not been reported in the literature in individuals affected with CYP4V2-related conditions. The frequency data for this variant in the population databases is considered unreliable, as metrics indicate poor data quality at this position in the gnomAD database. This sequence change replaces alanine, which is neutral and non-polar, with valine, which is neutral and non-polar, at codon 56 of the CYP4V2 protein (p.Ala56Val).

Blueprint Genetics
Classification: Uncertain significance. Last evaluated: 2019-11-07. Review status: criteria provided, single submitter. Criteria: ACMG Guidelines, 2015. Collection method: clinical testing. Allele origin: germline.

NM_207352.4(CYP4V2):c.167C>T (p.Ala56Val)

Gene: CYP4V2 (cytochrome P450 family 4 subfamily V member 2; plus strand). Cytogenetic location: 4q35.1.
Variant type: single nucleotide variant.
Coding change: c.167C>T on transcript NM_207352.4 (MANE Select); coding-DNA position 167, C replaced by T.
Protein change: p.Ala56Val; replaces alanine 56 with valine.
Molecular consequence: missense variant.
Genome position (GRCh38, 1-based): chr4:186,191,990, C>T. VCF-style: chr4-186191990-C-T. GRCh37 (hg19) VCF-style: chr4-187113144-C-T.
Other names: short protein forms A56V.
Identifiers: ClinVar variation 1508200 (VCV001508200.5), dbSNP rs768059118, ClinGen allele CA3162430.